The following is an entry in ClinVar:

ClinVar aggregate classification (germline): Uncertain significance (1 of 4 stars; one submission).

Allele frequency attached by ClinVar (database versions not stated): gnomAD exomes below 0.00001; gnomAD 0.00001; TOPMed 0.00001.
gnomAD v4.1: 2 of 1,614,102 alleles (0.00012%); highest among the groups gnomAD compares: Admixed American, 0.0033%; no homozygotes.

Submission:

Labcorp Genetics (formerly Invitae), Labcorp
Classification: Uncertain significance. Last evaluated: 2024-10-23. Review status: criteria provided, single submitter. Criteria: Invitae Variant Classification Sherloc (09022015). Collection method: clinical testing. Allele origin: germline.
Comment: This sequence change replaces isoleucine, which is neutral and non-polar, with valine, which is neutral and non-polar, at codon 249 of the SEC61A1 protein (p.Ile249Val). This variant is present in population databases (no rsID available, gnomAD 0.003%). This variant has not been reported in the literature in individuals affected with SEC61A1-related conditions. ClinVar contains an entry for this variant (Variation ID: 2092054). Invitae Evidence Modeling of protein sequence and biophysical properties (such as structural, functional, and spatial information, amino acid conservation, physicochemical variation, residue mobility, and thermodynamic stability) indicates that this missense variant is not expected to disrupt SEC61A1 protein function with a negative predictive value of 80%. In summary, the available evidence is currently insufficient to determine the role of this variant in disease. Therefore, it has been classified as a Variant of Uncertain Significance.

NM_013336.4(SEC61A1):c.745A>G (p.Ile249Val)

Genes: RUVBL1 (RuvB like AAA ATPase 1; minus strand), SEC61A1 (SEC61 translocon subunit alpha 1; plus strand). Cytogenetic location: 3q21.3.
Variant type: single nucleotide variant.
Coding change: c.745A>G on transcript NM_013336.4 (MANE Select); coding-DNA position 745, A replaced by G.
Protein change: p.Ile249Val; replaces isoleucine 249 with valine.
Molecular consequence: missense variant. On other transcripts: 3 prime UTR variant (1).
Genome position (GRCh38, 1-based): chr3:128,065,005, A>G. VCF-style: chr3-128065005-A-G. GRCh37 (hg19) VCF-style: chr3-127783848-A-G.
Other names: c.763A>G, p.Ile255Val (NM_001400328.1); c.586A>G, p.Ile196Val (NM_001400329.1); c.*207T>C (NM_001319086.1); short protein forms I196V, I255V, I249V.
Identifiers: ClinVar variation 2092054 (VCV002092054.4), dbSNP rs1248338929, ClinGen allele CA354397867.
Genomic context (GRCh38, chr3:128,065,005, plus strand): 5'-GCCCTTCGGGAGGCGTTCTACCGCCAGAATCTTCCCAACCTCATGAATCTCATCGCCACC[A>G]TCTTTGTCTTTGCAGTGGTCATCTATTTCCAGGTGTGTCCAGATCCAACCCCAGGGAGTT-3'
Protein context (NP_037468.1, residues 239-259): LPNLMNLIAT[Ile249Val]FVFAVVIYFQ